The following is an entry in ClinVar:

NM_003070.5(SMARCA2):c.1308G>C (p.Gln436His)

Gene: SMARCA2 (SWI/SNF related BAF chromatin remodeling complex subunit ATPase 2; plus strand). Cytogenetic location: 9p24.3.
Variant type: single nucleotide variant.
Coding change: c.1308G>C on transcript NM_003070.5 (MANE Select); coding-DNA position 1308, G replaced by C.
Protein change: p.Gln436His; replaces glutamine 436 with histidine.
Molecular consequence: missense variant.
Genome position (GRCh38, 1-based): chr9:2,056,806, G>C. VCF-style: chr9-2056806-G-C. GRCh37 (hg19) VCF-style: chr9-2056806-G-C.
Other names: c.1308G>C, p.Gln436His (NM_001289396.2, NM_001289397.2, NM_139045.4); short protein forms Q436H.
Identifiers: ClinVar variation 4756065 (VCV004756065.1).

ClinVar aggregate classification (germline): Uncertain significance (1 of 4 stars; one submission).

Submission:

GeneDx
Classification: Uncertain significance. Last evaluated: 2025-08-07. Review status: criteria provided, single submitter. Criteria: GeneDx Variant Classification Process June 2021. Collection method: clinical testing. Allele origin: germline. Affected: yes.
Comment: Not observed at significant frequency in large population cohorts (gnomAD); In silico analysis supports that this missense variant has a deleterious effect on protein structure/function; Has not been previously published as pathogenic or benign to our knowledge